The following is an entry in ClinVar:

NM_014915.3(ANKRD26):c.137A>T (p.Asp46Val)

Genes: ANKRD26 (ankyrin repeat domain 26; minus strand), LOC130003554 (ATAC-STARR-seq lymphoblastoid silent region 2243; plus strand). Cytogenetic location: 10p12.1.
Variant type: single nucleotide variant.
Coding change: c.137A>T on transcript NM_014915.3 (MANE Select); coding-DNA position 137, A replaced by T.
Protein change: p.Asp46Val; replaces aspartic acid 46 with valine.
Molecular consequence: missense variant.
Genome position (GRCh38, 1-based): chr10:27,100,190, T>A on the plus strand (A>T on the coding strand, the complement: ANKRD26 is on the minus strand). VCF-style: chr10-27100190-T-A. GRCh37 (hg19) VCF-style: chr10-27389119-T-A.
Other names: c.137A>T, p.Asp46Val (NM_001256053.2); short protein forms D46V.
Identifiers: ClinVar variation 4859491 (VCV004859491.1).

ClinVar aggregate classification (germline): Uncertain significance (1 of 4 stars; one submission).

Conditions:
Inborn genetic diseases. Identifiers: MedGen C0950123, MeSH D030342.

Submission:

Ambry Genetics
Classification: Uncertain significance for Inborn genetic diseases. Last evaluated: 2026-04-23. Review status: criteria provided, single submitter. Criteria: Ambry Variant Classification Scheme 2023. Collection method: clinical testing. Allele origin: germline.
Comment: The p.D46V variant (also known as c.137A>T), located in coding exon 1 of the ANKRD26 gene, results from an A to T substitution at nucleotide position 137. The aspartic acid at codon 46 is replaced by valine, an amino acid with highly dissimilar properties. This amino acid position is conserved. In addition, this alteration is predicted to be tolerated by in silico analysis. Based on the available evidence, the clinical significance of this variant remains unclear.